The following is an entry in ClinVar:

ClinVar aggregate classification (germline): Uncertain significance (1 of 4 stars; one submission).

Submission:

Labcorp Genetics (formerly Invitae), Labcorp
Classification: Uncertain significance. Last evaluated: 2022-06-27. Review status: criteria provided, single submitter. Criteria: Invitae Variant Classification Sherloc (09022015). Collection method: clinical testing. Allele origin: germline.
Comment: In summary, the available evidence is currently insufficient to determine the role of this variant in disease. Therefore, it has been classified as a Variant of Uncertain Significance. Experimental studies and prediction algorithms are not available or were not evaluated, and the functional significance of this variant is currently unknown. This variant has not been reported in the literature in individuals affected with MRPS23-related conditions. This variant results in a copy number gain of the genomic region encompassing exon(s) 1-2 of the MRPS23 gene. This region includes the initiator codon of the gene. This copy number gain extends beyond the assayed region for this gene and therefore may encompass additional genes. As the precise location of this event is unknown, it may be in tandem or it may be located elsewhere in the genome.

NC_000017.10:g.(?_55926581)_(55927371_?)dup

Gene: MRPS23 (mitochondrial ribosomal protein S23; minus strand). Cytogenetic location: 17q22.
Variant type: Duplication.
Identifiers: ClinVar variation 1412017 (VCV001412017.5).